The following is an entry in ClinVar:

NM_000275.3(OCA2):c.1828G>T (p.Glu610Ter)

Gene: OCA2 (OCA2 melanosomal transmembrane protein; minus strand). Cytogenetic location: 15q13.1.
Variant type: single nucleotide variant.
Coding change: c.1828G>T on transcript NM_000275.3 (MANE Select); coding-DNA position 1828, G replaced by T.
Protein change: p.Glu610Ter; replaces glutamic acid 610 with a stop codon.
Molecular consequence: nonsense.
Genome position (GRCh38, 1-based): chr15:27,955,172, C>A on the plus strand (G>T on the coding strand, the complement: OCA2 is on the minus strand). VCF-style: chr15-27955172-C-A. GRCh37 (hg19) VCF-style: chr15-28200318-C-A.
Other names: c.1756G>T, p.Glu586Ter (NM_001300984.2); short protein forms E610*, E586*.
Identifiers: ClinVar variation 2780291 (VCV002780291.3), dbSNP rs2506495474, ClinGen allele CA391365156.

ClinVar aggregate classification (germline): Pathogenic (1 of 4 stars; one submission).

Submission:

Labcorp Genetics (formerly Invitae), Labcorp
Classification: Pathogenic. Last evaluated: 2024-01-04. Review status: criteria provided, single submitter. Criteria: Invitae Variant Classification Sherloc (09022015). Collection method: clinical testing. Allele origin: germline.
Comment: This sequence change creates a premature translational stop signal (p.Glu610*) in the OCA2 gene. It is expected to result in an absent or disrupted protein product. Loss-of-function variants in OCA2 are known to be pathogenic (PMID: 19865097, 21541274). This variant is not present in population databases (gnomAD no frequency). This premature translational stop signal has been observed in individual(s) with oculocutaneous albinism (PMID: 33612058). For these reasons, this variant has been classified as Pathogenic.

Literature cited by the submitters: PubMed 19865097; PubMed 21541274; PubMed 33612058.